The following is an entry in ClinVar:

NM_001276270.2(MBD4):c.1258+1G>T

Gene: MBD4 (methyl-CpG binding domain 4, DNA glycosylase; minus strand). Cytogenetic location: 3q21.3.
Variant type: single nucleotide variant.
Coding change: c.1258+1G>T on transcript NM_001276270.2 (MANE Select); the canonical splice donor site of the intron after coding-DNA position 1258, G replaced by T.
Molecular consequence: splice donor variant.
Genome position (GRCh38, 1-based): chr3:129,434,061, C>A on the plus strand (G>T on the coding strand, the complement: MBD4 is on the minus strand). VCF-style: chr3-129434061-C-A. GRCh37 (hg19) VCF-style: chr3-129152904-C-A.
Other names: c.322+1G>T (NM_001276273.2); c.1276+1G>T (NM_001276272.2, NM_003925.3, NM_001276271.2).
Identifiers: ClinVar variation 3724588 (VCV003724588.3).
Genomic context (GRCh38, chr3:129,434,061, plus strand): 5'-CATCAGAATTGAAAACCCAAAATGGAATTAGAATTTGCTGTTCTGATTGGGAAAGGGATA[C>A]CTTCTTTGTTATATTTGCTGGAAAAATACAGGCTTGTTTTCCTTCTTTCTATCTGTGTTC-3'

ClinVar aggregate classification (germline): Conflicting classifications of pathogenicity. Review status: criteria provided, conflicting classifications (1 of 4 stars). 2 submissions from 2 submitters: Likely pathogenic (1); Uncertain significance (1). Last evaluated 2025-11-11.

Conditions:
Inborn genetic diseases. Identifiers: MedGen C0950123, MeSH D030342.

Submissions (2):

Ambry Genetics
Classification: Uncertain significance for Inborn genetic diseases. Last evaluated: 2025-11-11. Review status: criteria provided, single submitter. Criteria: Ambry Variant Classification Scheme 2023. Collection method: clinical testing. Allele origin: germline.
Comment: The c.1258+1G>T intronic variant results from a G to T substitution one nucleotide after coding exon 4 of the MBD4 gene. Alterations that disrupt the canonical splice site are expected to result in aberrant splicing. In silico splice site analysis predicts that this alteration will weaken the native splice donor site. A resulting transcript is predicted to be in-frame and is not expected to trigger nonsense-mediated mRNAdecay. RNA studies have demonstrated that this alteration results in a transcript predicted to lead to a protein with an in-frame deletion of 25 amino acids; however, the exact functional impact of the deleted amino acids is unknown at this time (Ambry internal data). This nucleotide position is highly conserved in available vertebrate species. Based on the available evidence, the clinical significance of this variant remains unclear.

Labcorp Genetics (formerly Invitae), Labcorp
Classification: Likely pathogenic. Last evaluated: 2025-09-05. Review status: criteria provided, single submitter. Criteria: Invitae Variant Classification Sherloc (09022015). Collection method: clinical testing. Allele origin: germline.
Comment: This sequence change affects a donor splice site in intron 4 of the MBD4 gene. It is expected to disrupt RNA splicing. Variants that disrupt the donor or acceptor splice site typically lead to a loss of protein function (PMID: 16199547), and loss-of-function variants in MBD4 are known to be pathogenic (PMID: 30049810, 35460607). This variant is not present in population databases (gnomAD no frequency). This variant has not been reported in the literature in individuals affected with MBD4-related conditions. ClinVar contains an entry for this variant (Variation ID: 3724588). Algorithms developed to predict the effect of sequence changes on RNA splicing suggest that this variant may disrupt the consensus splice site. In summary, the currently available evidence indicates that the variant is pathogenic, but additional data are needed to prove that conclusively. Therefore, this variant has been classified as Likely Pathogenic.

Literature cited by the submitters: PubMed 16199547 (cited by Labcorp Genetics (formerly Invitae), Labcorp); PubMed 30049810 (cited by Labcorp Genetics (formerly Invitae), Labcorp); PubMed 35460607 (cited by Labcorp Genetics (formerly Invitae), Labcorp).